The following is an entry in ClinVar:

NM_001429.4(EP300):c.1878+1G>A

Gene: EP300 (EP300 lysine acetyltransferase; plus strand). Cytogenetic location: 22q13.2.
Variant type: single nucleotide variant.
Coding change: c.1878+1G>A on transcript NM_001429.4 (MANE Select); the canonical splice donor site of the intron after coding-DNA position 1878, G replaced by A.
Molecular consequence: splice donor variant.
Genome position (GRCh38, 1-based): chr22:41,140,258, G>A. VCF-style: chr22-41140258-G-A. GRCh37 (hg19) VCF-style: chr22-41536262-G-A.
Other names: c.1878+1G>A (NM_001362843.2).
Identifiers: ClinVar variation 950890 (VCV000950890.1), dbSNP rs2058974109, ClinGen allele CA411687825.

ClinVar aggregate classification (germline): Likely pathogenic (1 of 4 stars; one submission).

Conditions:
Colorectal cancer. Also called: Colorectal cancer, somatic; Malignant Colorectal Neoplasm. Identifiers: MedGen C0346629, MONDO:0005575, OMIM 114500.
Rubinstein-Taybi syndrome due to EP300 haploinsufficiency. Also called: EP300-Related Rubinstein-Taybi Syndrome; RUBINSTEIN-TAYBI SYNDROME 2. Identifiers: Orphanet 353284, Orphanet 783, MedGen C3150941, MONDO:0013364, OMIM 613684.

Submission:

Labcorp Genetics (formerly Invitae), Labcorp
Classification: Likely pathogenic for Rubinstein-Taybi syndrome 2; Colorectal cancer. Last evaluated: 2019-07-16. Review status: criteria provided, single submitter. Criteria: Invitae Variant Classification Sherloc (09022015). Collection method: clinical testing. Allele origin: germline.
Comment: This sequence change affects a donor splice site in intron 9 of the EP300 gene. It is expected to disrupt RNA splicing and likely results in an absent or disrupted protein product. This variant is not present in population databases (ExAC no frequency). This variant has not been reported in the literature in individuals with EP300-related conditions. Algorithms developed to predict the effect of sequence changes on RNA splicing suggest that this variant may disrupt the consensus splice site, but this prediction has not been confirmed by published transcriptional studies. Donor and acceptor splice site variants typically lead to a loss of protein function (PMID: 16199547), and loss-of-function variants in EP300 are known to be pathogenic (PMID: 15706485, 24476420). In summary, the currently available evidence indicates that the variant is pathogenic, but additional data are needed to prove that conclusively. Therefore, this variant has been classified as Likely Pathogenic.

Literature cited by the submitters: PubMed 24476420; PubMed 15706485.